The following is an entry in ClinVar:

NM_133433.4(NIPBL):c.7855del (p.Tyr2618_Leu2619insTer)

Gene: NIPBL (NIPBL cohesin loading factor; plus strand). Cytogenetic location: 5p13.2.
Variant type: Deletion.
Coding change: c.7855del on transcript NM_133433.4 (MANE Select); coding-DNA position 7855, one base deleted (C; older notation c.7855delC).
Protein change: p.Tyr2618_Leu2619insTer.
Molecular consequence: nonsense.
Genome position (GRCh38, 1-based): chr5:37,061,013, C deleted. VCF-style (leftmost placement, unchanged base first): chr5-37061012-TC-T. GRCh37 (hg19) VCF-style: chr5-37061114-TC-T.
Other names: c.7855delC (NM_133433.3); c.7855del, p.Tyr2618_Leu2619insTer (NM_015384.5).
Identifiers: ClinVar variation 504042 (VCV000504042.3), dbSNP rs1554035316, ClinGen allele CA658796521.
Genomic context (GRCh38, chr5:37,061,012, plus strand): 5'-GAGTGACATGGCTAATTCCAAAATCACAGAAGAGGTGAAAAGGAGTATAGTAAAACAGTA[TC>T]TAGATGTGAGTAGTAAAACCAAAAGTTTTTACTTCTCATAAGGGCTTTTTTGACAAGTAA-3'

ClinVar aggregate classification (germline): Pathogenic (1 of 4 stars; one submission).

Submission:

GeneDx
Classification: Pathogenic. Last evaluated: 2020-02-20. Review status: criteria provided, single submitter. Criteria: GeneDx Variant Classification Process June 2021. Collection method: clinical testing. Allele origin: germline. Affected: yes.
Comment: Nonsense variant predicted to result in protein truncation or nonsense mediated decay in a gene for which loss-of-function is a known mechanism of disease; Not observed in large population cohorts (Lek et al., 2016); Has not been previously published as pathogenic or benign to our knowledge